The following is an entry in ClinVar:

NM_007055.4(POLR3A):c.*1461A>G

Gene: POLR3A (RNA polymerase III subunit A; minus strand). Cytogenetic location: 10q22.3.
Variant type: single nucleotide variant.
Coding change: c.*1461A>G on transcript NM_007055.4 (MANE Select); 1461 bases downstream of the stop codon, A replaced by G.
Molecular consequence: 3 prime UTR variant.
Genome position (GRCh38, 1-based): chr10:77,976,017, T>C on the plus strand (A>G on the coding strand, the complement: POLR3A is on the minus strand). VCF-style: chr10-77976017-T-C. GRCh37 (hg19) VCF-style: chr10-79735775-T-C.
Identifiers: ClinVar variation 301006 (VCV000301006.6), dbSNP rs3088264, ClinGen allele CA10636054.

ClinVar aggregate classification (germline): Benign. Review status: criteria provided, multiple submitters, no conflicts (2 of 4 stars). 2 submissions from 2 submitters: Benign (2). Last evaluated 2018-01-13.

Conditions:
Leukodystrophy, hypomyelinating, 7, with or without oligodontia and/or hypogonadotropic hypogonadism (HLD7). Also called: LEUKOENCEPHALOPATHY, HYPOMYELINATING, WITH ATAXIA AND DELAYED DENTITION; ATAXIA, DELAYED DENTITION, AND HYPOMYELINATION; LEUKODYSTROPHY, HYPOMYELINATING, 7, WITH OLIGODONTIA; LEUKODYSTROPHY, HYPOMYELINATING, 7, WITH OLIGODONTIA AND HYPOGONADOTROPIC HYPOGONADISM; LEUKODYSTROPHY, HYPOMYELINATING, 7, WITHOUT OLIGODONTIA OR HYPOGONADOTROPIC HYPOGONADISM; Ataxia, Delayed Dentition and Hypomyelination (ADDH). Identifiers: Orphanet 137639, Orphanet 447893, Orphanet 447896, Orphanet 77295, Orphanet 88637, MedGen CN034185, MONDO:0011897, OMIM 607694.

Allele frequency attached by ClinVar (database versions not stated): gnomAD 0.19707 and 0.20394; TOPMed 0.20885; 1000 Genomes Project 30x 0.27092; 1000 Genomes Project 0.27456.

Submissions (2):

Illumina Laboratory Services, Illumina
Classification: Benign for Leukodystrophy, hypomyelinating, 7, with or without oligodontia and/or hypogonadotropic hypogonadism. Last evaluated: 2018-01-13. Review status: criteria provided, single submitter. Criteria: ICSL Variant Classification Criteria 13 December 2019. Collection method: clinical testing. Allele origin: germline.
Comment: This variant was observed in the ICSL laboratory as part of a predisposition screen in an ostensibly healthy population. It had not been previously curated by ICSL or reported in the Human Gene Mutation Database (HGMD: prior to June 1st, 2018), and was therefore a candidate for classification through an automated scoring system. Utilizing variant allele frequency, disease prevalence and penetrance estimates, and inheritance mode, an automated score was calculated to assess if this variant is too frequent to cause the disease. Based on the score and internal cut-off values, a variant classified as benign is not then subjected to further curation. The score for this variant resulted in a classification of benign for this disease.

Breakthrough Genomics
Classification: Benign. Review status: criteria provided, single submitter. Criteria: ACMG Guidelines, 2015. Collection method: not provided. Allele origin: germline. Inheritance: Autosomal recessive inheritance. Affected: yes.